The following is an entry in ClinVar:

NM_000821.7(GGCX):c.892_895del (p.Met298fs)

Gene: GGCX (gamma-glutamyl carboxylase; minus strand). Cytogenetic location: 2p11.2.
Variant type: Deletion.
Coding change: c.892_895del on transcript NM_000821.7 (MANE Select); coding-DNA positions 892 to 895, 4 bases deleted (ATGT; older notation c.892_895delATGT).
Protein change: p.Met298fs; shifts the reading frame from methionine 298.
Molecular consequence: frameshift variant.
Genome position (GRCh38, 1-based): chr2:85,553,492-85,553,495, ACAT deleted on the plus strand (ATGT on the coding strand, the reverse complement: GGCX is on the minus strand); deleting any 4 consecutive bases within chr2:85,553,492-85,553,497 gives the same sequence; the c. name uses the placement nearest the transcript's 3' end. VCF-style (leftmost placement, unchanged base first): chr2-85553491-AACAT-A. GRCh37 (hg19) VCF-style: chr2-85780614-AACAT-A.
Other names: c.721_724del, p.Met241fs (NM_001142269.4); short protein forms M241fs, M298fs.
Identifiers: ClinVar variation 2019870 (VCV002019870.4), dbSNP rs2466128633, ClinGen allele CA2580068284.

ClinVar aggregate classification (germline): Pathogenic (1 of 4 stars; one submission).

Submission:

Labcorp Genetics (formerly Invitae), Labcorp
Classification: Pathogenic. Last evaluated: 2022-07-27. Review status: criteria provided, single submitter. Criteria: Invitae Variant Classification Sherloc (09022015). Collection method: clinical testing. Allele origin: germline.
Comment: This sequence change creates a premature translational stop signal (p.Met298Serfs*103) in the GGCX gene. It is expected to result in an absent or disrupted protein product. Loss-of-function variants in GGCX are known to be pathogenic (PMID: 17110937, 17327402, 24520408). This variant is not present in population databases (gnomAD no frequency). This variant has not been reported in the literature in individuals affected with GGCX-related conditions. For these reasons, this variant has been classified as Pathogenic.

Literature cited by the submitters: PubMed 17110937; PubMed 17327402; PubMed 24520408.